The following is an entry in ClinVar:

NM_058216.3(RAD51C):c.420A>G (p.Val140=)

Gene: RAD51C (RAD51 paralog C; plus strand). Cytogenetic location: 17q22.
Variant type: single nucleotide variant.
Coding change: c.420A>G on transcript NM_058216.3 (MANE Select); coding-DNA position 420, A replaced by G.
Protein change: p.Val140=; no amino-acid change (valine 140 retained).
Molecular consequence: synonymous variant.
Genome position (GRCh38, 1-based): chr17:58,696,708, A>G. VCF-style: chr17-58696708-A-G. GRCh37 (hg19) VCF-style: chr17-56774069-A-G.
Other names: c.420A>G (LRG_314t1).
Identifiers: ClinVar variation 415842 (VCV000415842.19), dbSNP rs1060504672, ClinGen allele CA16615448.

ClinVar aggregate classification (germline): Benign/Likely benign. Review status: criteria provided, multiple submitters, no conflicts (2 of 4 stars). 4 submissions from 4 submitters: Benign (1); Likely benign (3). Last evaluated 2025-05-12.

Conditions:
Hereditary cancer-predisposing syndrome. Also called: Tumor predisposition; Neoplastic Syndromes, Hereditary; Hereditary Cancer Syndrome; Hereditary neoplastic syndrome. Identifiers: Orphanet 140162, MedGen C0027672, MeSH D009386, MONDO:0015356.
Breast-ovarian cancer, familial, susceptibility to, 3. Also called: RAD51C-Related Breast/Ovarian Cancer. Identifiers: Orphanet 145, MedGen C3150659, MONDO:0013253, OMIM 613399.
Fanconi anemia complementation group O. Also called: RAD51C-Related Fanconi Anemia. Identifiers: Orphanet 84, MedGen C3150653, MONDO:0013248, OMIM 613390.

Allele frequency attached by ClinVar (database versions not stated): gnomAD exomes 0.00001.
gnomAD v4.1: 9 of 1,614,192 alleles (0.00056%); highest among the groups gnomAD compares: Non-Finnish European, 0.00076%; no homozygotes.

Submissions (4):

Labcorp Genetics (formerly Invitae), Labcorp
Classification: Likely benign for Fanconi anemia complementation group O. Last evaluated: 2025-05-12. Review status: criteria provided, single submitter. Criteria: Invitae Variant Classification Sherloc (09022015). Collection method: clinical testing. Allele origin: germline.

Myriad Genetics, Inc.
Classification: Benign for Breast-ovarian cancer, familial, susceptibility to, 3. Last evaluated: 2025-02-18. Review status: criteria provided, single submitter. Criteria: Myriad Autosomal Dominant, Autosomal Recessive and X-Linked Classification Criteria (2023). Collection method: clinical testing. Allele origin: unknown.
Comment: This variant is considered benign. This variant is a silent/synonymous amino acid change and it is not expected to impact splicing.

Color Diagnostics, LLC DBA Color Health
Classification: Likely benign for Hereditary cancer-predisposing syndrome. Last evaluated: 2022-10-06. Review status: criteria provided, single submitter. Criteria: ACMG Guidelines, 2015. Collection method: clinical testing. Allele origin: germline.

Ambry Genetics
Classification: Likely benign for Hereditary cancer-predisposing syndrome. Last evaluated: 2017-06-14. Review status: criteria provided, single submitter. Criteria: Ambry Variant Classification Scheme 2023. Collection method: clinical testing. Allele origin: germline.